The following is an entry in ClinVar:

NM_000155.4(GALT):c.1059+1G>T

Gene: GALT (galactose-1-phosphate uridylyltransferase; plus strand). Cytogenetic location: 9p13.3.
Variant type: single nucleotide variant.
Coding change: c.1059+1G>T on transcript NM_000155.4 (MANE Select); the canonical splice donor site of the intron after coding-DNA position 1059, G replaced by T.
Molecular consequence: splice donor variant.
Genome position (GRCh38, 1-based): chr9:34,649,565, G>T. VCF-style: chr9-34649565-G-T. GRCh37 (hg19) VCF-style: chr9-34649562-G-T.
Other names: c.732+1G>T (NM_001258332.2).
Identifiers: ClinVar variation 557568 (VCV000557568.3), dbSNP rs1554709516, ClinGen allele CA373285369.
Genomic context (GRCh38, chr9:34,649,565, plus strand): 5'-AAATTCATGGTTGGCTACGAAATGCTTGCTCAGGCTCAGAGGGACCTCACCCCTGAGCAG[G>T]TCAGGACTCAGAACAGTCTGGCGTCTCCAGACTCTCACATGCAGTATGTGCAGGCACCTG-3'

ClinVar aggregate classification (germline): Likely pathogenic. Review status: criteria provided, single submitter (1 of 4 stars). 2 submissions from 2 submitters: Likely pathogenic (1). 1 of the submissions does not count toward it. Last evaluated 2024-05-26.

Conditions:
Deficiency of UDPglucose-hexose-1-phosphate uridylyltransferase. Also called: GALACTOSE-1-PHOSPHATE URIDYLYLTRANSFERASE DEFICIENCY; GALT deficiency; Galactosemia, classic; Transferase Deficiency Galactosemia; GALACTOSEMIA I. Identifiers: Orphanet 352, Orphanet 79239, MedGen C0268151, MONDO:0009258, OMIM 230400.
Galactosemia. Also called: Galactose intolerance. Identifiers: Orphanet 352, MedGen C0016952, MONDO:0018116, HP:0004919. Disease mechanism: loss of function.

Submissions (2):

Natera, Inc.
Classification: Likely pathogenic for Galactosemia. Last evaluated: 2024-05-26. Review status: criteria provided, single submitter. Criteria: Natera Variant Classification Schema (03/2026). Collection method: clinical testing. Allele origin: germline.
Comment: The c.1059+1G>T variant in GALT is a canonical splice donor site variant predicted to affect pre-mRNA splicing, which may result in an abnormal transcript and altered protein product. This variant is expected to result in nonsense mediated decay, truncation, or a dysfunctional protein product. This variant is rare in the general population with a frequency below the threshold expected for the associated phenotype(s). Given the available evidence, this variant is classified as Likely Pathogenic.

Counsyl
Classification: Likely pathogenic for Deficiency of UDPglucose-hexose-1-phosphate uridylyltransferase. Last evaluated: 2018-04-04. Review status: no assertion criteria provided. Collection method: clinical testing. Allele origin: unknown. Not counted in ClinVar's aggregate classification.